The following is an entry in ClinVar:

NM_000219.6(KCNE1):c.42C>A (p.Thr14=)

Gene: KCNE1 (potassium voltage-gated channel subfamily E regulatory subunit 1; minus strand). Cytogenetic location: 21q22.12.
Variant type: single nucleotide variant.
Coding change: c.42C>A on transcript NM_000219.6 (MANE Select); coding-DNA position 42, C replaced by A.
Protein change: p.Thr14=; no amino-acid change (threonine 14 retained).
Molecular consequence: synonymous variant.
Genome position (GRCh38, 1-based): chr21:34,449,593, G>T on the plus strand (C>A on the coding strand, the complement: KCNE1 is on the minus strand). VCF-style: chr21-34449593-G-T. GRCh37 (hg19) VCF-style: chr21-35821891-G-T.
Other names: c.42C>A, p.Thr14= (NM_001127668.4, NM_001127669.4, NM_001127670.4 and 4 more transcripts).
Identifiers: ClinVar variation 3373889 (VCV003373889.2).

Conditions:
Long QT syndrome 5 (LQT5). Identifiers: Orphanet 101016, Orphanet 768, MedGen C1867904, MONDO:0013372, OMIM 613695.

Submission:

Roden Lab, Vanderbilt University Medical Center
No classification provided (evidence only). Condition: Long QT syndrome 5. Review status: no classification provided. Collection method: in vitro. Allele origin: not applicable. Functional consequence: Effect on ion channel function.
ClinVar note: "not provided" was previously submitted as the classification for the variant. However, the classification appeared to be based only on an observation of functional data so it was converted to no classification on 2025-07-30.